The following is an entry in ClinVar:

NM_207352.4(CYP4V2):c.474T>G (p.Ile158Met)

Gene: CYP4V2 (cytochrome P450 family 4 subfamily V member 2; plus strand). Cytogenetic location: 4q35.1.
Variant type: single nucleotide variant.
Coding change: c.474T>G on transcript NM_207352.4 (MANE Select); coding-DNA position 474, T replaced by G.
Protein change: p.Ile158Met; replaces isoleucine 158 with methionine.
Molecular consequence: missense variant.
Genome position (GRCh38, 1-based): chr4:186,197,000, T>G. VCF-style: chr4-186197000-T-G. GRCh37 (hg19) VCF-style: chr4-187118154-T-G.
Other names: short protein forms I158M.
Identifiers: ClinVar variation 1386442 (VCV001386442.6), dbSNP rs2126584888, ClinGen allele CA358947370.

ClinVar aggregate classification (germline): Uncertain significance (1 of 4 stars; one submission).

Submission:

Labcorp Genetics (formerly Invitae), Labcorp
Classification: Uncertain significance. Last evaluated: 2022-10-28. Review status: criteria provided, single submitter. Criteria: Invitae Variant Classification Sherloc (09022015). Collection method: clinical testing. Allele origin: germline.
Comment: In summary, the available evidence is currently insufficient to determine the role of this variant in disease. Therefore, it has been classified as a Variant of Uncertain Significance. Advanced modeling of protein sequence and biophysical properties (such as structural, functional, and spatial information, amino acid conservation, physicochemical variation, residue mobility, and thermodynamic stability) performed at Invitae indicates that this missense variant is not expected to disrupt CYP4V2 protein function. This sequence change replaces isoleucine, which is neutral and non-polar, with methionine, which is neutral and non-polar, at codon 158 of the CYP4V2 protein (p.Ile158Met). ClinVar contains an entry for this variant (Variation ID: 1386442). This variant has not been reported in the literature in individuals affected with CYP4V2-related conditions. This variant is not present in population databases (gnomAD no frequency).